The following is an entry in ClinVar:

ClinVar aggregate classification (germline): Likely benign. Review status: criteria provided, single submitter (1 of 4 stars). 2 submissions from 2 submitters: Likely benign (1). 1 of the submissions does not count toward it. Last evaluated 2024-10-22.

Conditions:
CHD4-related disorder. Also called: CHD4-related condition.

Submissions (2):

Blueprint Genetics
Classification: Likely benign. Last evaluated: 2024-10-22. Review status: criteria provided, single submitter. Criteria: ACMG Guidelines, 2015. Collection method: clinical testing. Allele origin: germline.

PreventionGenetics, part of Exact Sciences
Classification: Likely benign for CHD4-related condition. Last evaluated: 2023-11-29. Review status: no assertion criteria provided. Collection method: clinical testing. Allele origin: germline. Not counted in ClinVar's aggregate classification.
Comment: This variant is classified as likely benign based on ACMG/AMP sequence variant interpretation guidelines (Richards et al. 2015 PMID: 25741868, with internal and published modifications).

NM_001273.5(CHD4):c.340AAG[5] (p.Lys119del)

Gene: CHD4 (chromodomain helicase DNA binding protein 4; minus strand). Cytogenetic location: 12p13.31.
Variant type: Microsatellite.
Coding change: c.340AAG[5] on transcript NM_001273.5 (MANE Select); five copies in a row of the 3-base unit AAG starting at c.340; the reference has six copies in a row; one copy, 3 bases deleted.
Protein change: p.Lys119del; deletes lysine 119.
Genome position (GRCh38, 1-based): chr12:6,602,041-6,602,043, CTT deleted on the plus strand (AAG on the coding strand, the reverse complement: CHD4 is on the minus strand); deleting any 3 consecutive bases within chr12:6,602,041-6,602,058 gives the same sequence; the position shown is the placement nearest the transcript's 3' end. VCF-style (leftmost placement, unchanged base first): chr12-6602040-GCTT-G. GRCh37 (hg19) VCF-style: chr12-6711206-GCTT-G.
Other names: c.319AAG[5], p.Lys112del (NM_001297553.2); c.340AAG[5], p.Lys119del (NM_001363606.2); short protein forms K112del, K119del.
Identifiers: ClinVar variation 3055242 (VCV003055242.3), dbSNP rs752143656, ClinGen allele CA6412540.